The following is an entry in ClinVar:

ClinVar aggregate classification (germline): Uncertain significance (1 of 4 stars; one submission).

Allele frequency attached by ClinVar (database versions not stated): ExAC 0.00001; gnomAD exomes 0.00001.
gnomAD v4.1: 14 of 1,613,620 alleles (0.00087%); highest among the groups gnomAD compares: Non-Finnish European, 0.0012%; no homozygotes.

Submission:

Labcorp Genetics (formerly Invitae), Labcorp
Classification: Uncertain significance. Last evaluated: 2024-02-23. Review status: criteria provided, single submitter. Criteria: Invitae Variant Classification Sherloc (09022015). Collection method: clinical testing. Allele origin: germline.
Comment: This sequence change replaces alanine, which is neutral and non-polar, with threonine, which is neutral and polar, at codon 158 of the TNNI3K protein (p.Ala158Thr). This variant is present in population databases (rs775932123, gnomAD 0.0009%). This variant has not been reported in the literature in individuals affected with TNNI3K-related conditions. Advanced modeling of protein sequence and biophysical properties (such as structural, functional, and spatial information, amino acid conservation, physicochemical variation, residue mobility, and thermodynamic stability) performed at Invitae indicates that this missense variant is not expected to disrupt TNNI3K protein function with a negative predictive value of 80%. In summary, the available evidence is currently insufficient to determine the role of this variant in disease. Therefore, it has been classified as a Variant of Uncertain Significance.

NM_015978.3(TNNI3K):c.472G>A (p.Ala158Thr)

Genes: TNNI3K (TNNI3 interacting kinase; plus strand), FPGT-TNNI3K (FPGT-TNNI3K readthrough; plus strand). Cytogenetic location: 1p31.1.
Variant type: single nucleotide variant.
Coding change: c.472G>A on transcript NM_015978.3 (MANE Select); coding-DNA position 472, G replaced by A.
Protein change: p.Ala158Thr; replaces alanine 158 with threonine.
Molecular consequence: missense variant.
Genome position (GRCh38, 1-based): chr1:74,331,477, G>A. VCF-style: chr1-74331477-G-A. GRCh37 (hg19) VCF-style: chr1-74797161-G-A.
Other names: c.775G>A, p.Ala259Thr (NM_001112808.3, NM_001199327.2); short protein forms A259T, A158T.
Identifiers: ClinVar variation 2823452 (VCV002823452.3), dbSNP rs775932123, ClinGen allele CA908918.
Genomic context (GRCh38, chr1:74,331,477, plus strand): 5'-GAAGTTCTTAACCATAATCATTTTCTTGTCCAGGCTGCTGATGTGCTGTTGCAACATGGA[G>A]CTAATGTCAATATTCAAGATGCAGTTTTTTTCACTCCATTGCATATTGCAGCGTACTATG-3'
Protein context (NP_057062.1, residues 148-168): EAADVLLQHG[Ala158Thr]NVNIQDAVFF